The following is an entry in ClinVar:

NM_001040436.3(YARS2):c.1280G>A (p.Arg427Gln)

Gene: YARS2 (tyrosyl-tRNA synthetase 2; minus strand). Cytogenetic location: 12p11.21.
Variant type: single nucleotide variant.
Coding change: c.1280G>A on transcript NM_001040436.3 (MANE Select); coding-DNA position 1280, G replaced by A.
Protein change: p.Arg427Gln; replaces arginine 427 with glutamine.
Molecular consequence: missense variant.
Genome position (GRCh38, 1-based): chr12:32,747,358, C>T on the plus strand (G>A on the coding strand, the complement: YARS2 is on the minus strand). VCF-style: chr12-32747358-C-T. GRCh37 (hg19) VCF-style: chr12-32900292-C-T.
Other names: c.1280G>A (NM_001040436.2); short protein forms R427Q.
Identifiers: ClinVar variation 1907822 (VCV001907822.6), dbSNP rs560972647, ClinGen allele CA6507923.

ClinVar aggregate classification (germline): Conflicting classifications of pathogenicity. Review status: criteria provided, conflicting classifications (1 of 4 stars). 2 submissions from 2 submitters: Uncertain significance (1); Likely benign (1). Last evaluated 2025-07-14.

Allele frequency attached by ClinVar (database versions not stated): TOPMed 0.00003; gnomAD 0.00005; gnomAD exomes 0.00005; ExAC 0.00012; 1000 Genomes Project 30x 0.00047; 1000 Genomes Project 0.00060.
gnomAD v4.1: 84 of 1,613,752 alleles (0.0052%); highest among the groups gnomAD compares: South Asian, 0.072%; no homozygotes.

Submissions (2):

GeneDx
Classification: Uncertain significance. Last evaluated: 2025-07-14. Review status: criteria provided, single submitter. Criteria: GeneDx Variant Classification Process June 2021. Collection method: clinical testing. Allele origin: germline. Affected: yes.
Comment: In silico analysis suggests that this missense variant does not alter protein structure/function; Has not been previously published as pathogenic or benign to our knowledge

Labcorp Genetics (formerly Invitae), Labcorp
Classification: Likely benign. Last evaluated: 2025-06-19. Review status: criteria provided, single submitter. Criteria: Invitae Variant Classification Sherloc (09022015). Collection method: clinical testing. Allele origin: germline.